The following is an entry in ClinVar:

NM_004260.4(RECQL4):c.1648G>A (p.Ala550Thr)

Gene: RECQL4 (RecQ like helicase 4; minus strand). Cytogenetic location: 8q24.3.
Variant type: single nucleotide variant.
Coding change: c.1648G>A on transcript NM_004260.4 (MANE Select); coding-DNA position 1648, G replaced by A.
Protein change: p.Ala550Thr; replaces alanine 550 with threonine.
Molecular consequence: missense variant. On other transcripts: non-coding transcript variant (3).
Genome position (GRCh38, 1-based): chr8:144,514,498, C>T on the plus strand (G>A on the coding strand, the complement: RECQL4 is on the minus strand). VCF-style: chr8-144514498-C-T. GRCh37 (hg19) VCF-style: chr8-145739882-C-T.
Other names: c.1552G>A, p.Ala518Thr (NM_001413017.1, NM_001413020.1); c.1648G>A, p.Ala550Thr (NM_001413018.1, NM_001413019.1, NM_001413033.1 and 1 more transcripts); c.577G>A, p.Ala193Thr (NM_001413021.1, NM_001413022.1, NM_001413023.1 and 7 more transcripts); c.1519G>A, p.Ala507Thr (NM_001413025.1); c.511G>A, p.Ala171Thr (NM_001413027.1, NM_001413030.1, NM_001413031.1 and 2 more transcripts); c.1297G>A, p.Ala433Thr (NM_001413029.1); c.181G>A, p.Ala61Thr (NM_001413043.1); c.1618G>A, p.Ala540Thr (NM_001413039.1); and 1 more; short protein forms A433T, A507T, A171T, A183T, A518T, A540T, A61T, A193T.
Identifiers: ClinVar variation 2772165 (VCV002772165.3), dbSNP rs2538045286, ClinGen allele CA372683003.
Genomic context (GRCh38, chr8:144,514,498, plus strand): 5'-CCACCTTCTGCAGGACAGATTCCCGTTGCTTCCTGGTCATGCCCGAGTGTATGCAGGCCG[C>T]CTTGAGACACGGTGGCAGGCCAGACACCTGCAAATGCAGGAGCGACAGCCGTCATACGCC-3'
Protein context (NP_004251.4, residues 540-560): QVSGLPPCLK[Ala550Thr]ACIHSGMTRK

ClinVar aggregate classification (germline): Uncertain significance (1 of 4 stars; one submission).

Conditions:
Baller-Gerold syndrome (BGS). Also called: CRANIOSYNOSTOSIS WITH RADIAL DEFECTS. Identifiers: Orphanet 1225, MedGen C0265308, MONDO:0009039, OMIM 218600.

Submission:

Labcorp Genetics (formerly Invitae), Labcorp
Classification: Uncertain significance for Baller-Gerold syndrome. Last evaluated: 2024-04-29. Review status: criteria provided, single submitter. Criteria: Invitae Variant Classification Sherloc (09022015). Collection method: clinical testing. Allele origin: germline.
Comment: This sequence change replaces alanine, which is neutral and non-polar, with threonine, which is neutral and polar, at codon 550 of the RECQL4 protein (p.Ala550Thr). This variant is not present in population databases (gnomAD no frequency). This variant has not been reported in the literature in individuals affected with RECQL4-related conditions. Advanced modeling of protein sequence and biophysical properties (such as structural, functional, and spatial information, amino acid conservation, physicochemical variation, residue mobility, and thermodynamic stability) performed at Invitae indicates that this missense variant is expected to disrupt RECQL4 protein function with a positive predictive value of 80%. In summary, the available evidence is currently insufficient to determine the role of this variant in disease. Therefore, it has been classified as a Variant of Uncertain Significance.